The following is an entry in ClinVar:

ClinVar aggregate classification (germline): Uncertain significance. Review status: criteria provided, multiple submitters, no conflicts (2 of 4 stars). 2 submissions from 2 submitters: Uncertain significance (2). Last evaluated 2022-10-05.

Conditions:
Emery-Dreifuss muscular dystrophy 4, autosomal dominant (EDMD4). Also called: EMERY-DREIFUSS MUSCULAR DYSTROPHY 4 WITH VARIABLE FEATURES. Identifiers: Orphanet 261, MedGen C2751807, MONDO:0013071, OMIM 612998.
Autosomal recessive ataxia, Beauce type. Also called: SYNE1-Related Autosomal Recessive Cerebellar Ataxia; Spinocerebellar ataxia, autosomal recessive 8; ATAXIA, RECESSIVE, OF BEAUCE; SYNE1 Deficiency. Identifiers: Orphanet 88644, MedGen C1853116, MONDO:0012549, OMIM 610743.

Allele frequency attached by ClinVar (database versions not stated): TOPMed below 0.00001; gnomAD 0.00001; gnomAD exomes 0.00001.
gnomAD v4.1: 9 of 1,613,648 alleles (0.00056%); highest among the groups gnomAD compares: Non-Finnish European, 0.00059%; no homozygotes.

Submissions (2):

Labcorp Genetics (formerly Invitae), Labcorp
Classification: Uncertain significance for Emery-Dreifuss muscular dystrophy 4, autosomal dominant; Autosomal recessive ataxia, Beauce type. Last evaluated: 2022-10-05. Review status: criteria provided, single submitter. Criteria: Invitae Variant Classification Sherloc (09022015). Collection method: clinical testing. Allele origin: germline.
Comment: This sequence change replaces valine, which is neutral and non-polar, with alanine, which is neutral and non-polar, at codon 7542 of the SYNE1 protein (p.Val7542Ala). This variant is present in population databases (no rsID available, gnomAD 0.01%). This variant has not been reported in the literature in individuals affected with SYNE1-related conditions. ClinVar contains an entry for this variant (Variation ID: 497361). Algorithms developed to predict the effect of missense changes on protein structure and function (SIFT, PolyPhen-2, Align-GVGD) all suggest that this variant is likely to be disruptive. In summary, the available evidence is currently insufficient to determine the role of this variant in disease. Therefore, it has been classified as a Variant of Uncertain Significance.

Eurofins Ntd Llc (ga)
Classification: Uncertain significance. Last evaluated: 2016-10-03. Review status: criteria provided, single submitter. Criteria: EGL Classification Definitions 2015. Collection method: clinical testing. Allele origin: germline. Observed: 1 variant allele, 1 heterozygote.

NM_182961.4(SYNE1):c.22838T>C (p.Val7613Ala)

Gene: SYNE1 (spectrin repeat containing nuclear envelope protein 1; minus strand). Cytogenetic location: 6q25.2.
Variant type: single nucleotide variant.
Coding change: c.22838T>C on transcript NM_182961.4 (MANE Select); coding-DNA position 22838, T replaced by C.
Protein change: p.Val7613Ala; replaces valine 7613 with alanine.
Molecular consequence: missense variant.
Genome position (GRCh38, 1-based): chr6:152,206,349, A>G on the plus strand (T>C on the coding strand, the complement: SYNE1 is on the minus strand). VCF-style: chr6-152206349-A-G. GRCh37 (hg19) VCF-style: chr6-152527484-A-G.
Other names: c.22625T>C, p.Val7542Ala (NM_033071.5); short protein forms V7542A, V7613A.
Identifiers: ClinVar variation 497361 (VCV000497361.12), dbSNP rs1402188826, ClinGen allele CA366095245.